The following is an entry in ClinVar:

ClinVar aggregate classification (germline): Uncertain significance (1 of 4 stars; one submission).

Conditions:
Diffuse cerebral and cerebellar atrophy - intractable seizures - progressive microcephaly syndrome. Also called: Microcephaly, progressive, with seizures and cerebral and cerebellar atrophy. Identifiers: Orphanet 404437, MedGen C4014239, MONDO:0014335, OMIM 615760.

gnomAD v4.1: 1 of 1,607,518 alleles (0.000062%); highest among the groups gnomAD compares: Non-Finnish European, 0.000085%; no homozygotes.

Submission:

Labcorp Genetics (formerly Invitae), Labcorp
Classification: Uncertain significance for Diffuse cerebral and cerebellar atrophy - intractable seizures - progressive microcephaly syndrome. Last evaluated: 2021-09-01. Review status: criteria provided, single submitter. Criteria: Invitae Variant Classification Sherloc (09022015). Collection method: clinical testing. Allele origin: germline.
Comment: This sequence change replaces phenylalanine with serine at codon 302 of the QARS protein (p.Phe302Ser). The phenylalanine residue is moderately conserved and there is a large physicochemical difference between phenylalanine and serine. This variant is not present in population databases (ExAC no frequency). This variant has not been reported in the literature in individuals affected with QARS-related conditions. Algorithms developed to predict the effect of missense changes on protein structure and function (SIFT, PolyPhen-2, Align-GVGD) all suggest that this variant is likely to be disruptive. In summary, the available evidence is currently insufficient to determine the role of this variant in disease. Therefore, it has been classified as a Variant of Uncertain Significance.

NM_005051.3(QARS1):c.905T>C (p.Phe302Ser)

Gene: QARS1 (glutaminyl-tRNA synthetase 1; minus strand). Cytogenetic location: 3p21.31.
Variant type: single nucleotide variant.
Coding change: c.905T>C on transcript NM_005051.3 (MANE Select); coding-DNA position 905, T replaced by C.
Protein change: p.Phe302Ser; replaces phenylalanine 302 with serine.
Molecular consequence: missense variant. On other transcripts: non-coding transcript variant (1).
Genome position (GRCh38, 1-based): chr3:49,100,646, A>G on the plus strand (T>C on the coding strand, the complement: QARS1 is on the minus strand). VCF-style: chr3-49100646-A-G. GRCh37 (hg19) VCF-style: chr3-49138079-A-G.
Other names: c.872T>C, p.Phe291Ser (NM_001272073.2); short protein forms F291S, F302S.
Identifiers: ClinVar variation 1377805 (VCV001377805.5), dbSNP rs2107104202, ClinGen allele CA352712456.
Genomic context (GRCh38, chr3:49,100,646, plus strand): 5'-ACCATGTCACAGATGGCCGTGAAGAACTTTGCTTCCTCCTTCTCAGGGTTGGTGTCATCA[A>G]AACGCAGAAAACAGATGCCATTGTTGGCCTAGGAAAGTTGCACCATCTGTGAACTCCCAC-3'
Protein context (NP_005042.1, residues 292-312): KANNGICFLR[Phe302Ser]DDTNPEKEEA